The following is an entry in ClinVar:

ClinVar aggregate classification (germline): Uncertain significance (1 of 4 stars; one submission).

Allele frequency attached by ClinVar (database versions not stated): ExAC 0.00001; gnomAD 0.00001; gnomAD exomes below 0.00001.
gnomAD v4.1: 7 of 1,584,982 alleles (0.00044%); highest among the groups gnomAD compares: Middle Eastern, 0.017%; no homozygotes.

Submission:

Ambry Genetics
Classification: Uncertain significance. Last evaluated: 2025-10-19. Review status: criteria provided, single submitter. Criteria: Ambry Variant Classification Scheme 2023. Collection method: clinical testing. Allele origin: germline.
Comment: The p.L1005P variant (also known as c.3014T>C), located in coding exon 11 of the WNK2 gene, results from a T to C substitution at nucleotide position 3014. The leucine at codon 1005 is replaced by proline, an amino acid with similar properties. This amino acid position is conserved. In addition, this alteration is predicted to be tolerated by in silico analysis. Based on the available evidence, the clinical significance of this variant remains unclear.

NM_006648.4(WNK2):c.3014T>C (p.Leu1005Pro)

Gene: WNK2 (WNK lysine deficient protein kinase 2; plus strand). Cytogenetic location: 9q22.31.
Variant type: single nucleotide variant.
Coding change: c.3014T>C on transcript NM_006648.4 (MANE Select); coding-DNA position 3014, T replaced by C.
Protein change: p.Leu1005Pro; replaces leucine 1005 with proline.
Molecular consequence: missense variant.
Genome position (GRCh38, 1-based): chr9:93,259,562, T>C. VCF-style: chr9-93259562-T-C. GRCh37 (hg19) VCF-style: chr9-96021844-T-C.
Other names: c.3014T>C, p.Leu1005Pro (NM_001282394.3); short protein forms L1005P.
Identifiers: ClinVar variation 2393381 (VCV002393381.3), dbSNP rs761567201, ClinGen allele CA5129808.